The following is an entry in ClinVar:

ClinVar aggregate classification (germline): Uncertain significance (1 of 4 stars; one submission).

Conditions:
Hereditary cancer-predisposing syndrome. Also called: Tumor predisposition; Hereditary neoplastic syndrome; Hereditary Cancer Syndrome; Neoplastic Syndromes, Hereditary. Identifiers: Orphanet 140162, MedGen C0027672, MeSH D009386, MONDO:0015356.

Submission:

Ambry Genetics
Classification: Uncertain significance for Hereditary cancer-predisposing syndrome. Last evaluated: 2025-04-08. Review status: criteria provided, single submitter. Criteria: Ambry Variant Classification Scheme 2023. Collection method: clinical testing. Allele origin: germline.
Comment: The c.683T>C variant (also known as p.I228T), located in coding exon 5 of the SUFU gene, results from a T to C substitution at nucleotide position 683. The amino acid change results in isoleucine to threonine at codon 228, an amino acid with similar properties. However, this change occurs in the last base pair of coding exon 5 and may have some effect on normal mRNA splicing. This nucleotide position is highly conserved in available vertebrate species. This amino acid position is well conserved in available vertebrate species. In silico splice site analysis for this alteration is inconclusive. In addition, as a missense substitution this is predicted to be tolerated by in silico analysis. Based on the available evidence, the clinical significance of this variant remains unclear.

NM_016169.4(SUFU):c.683T>C (p.Ile228Thr)

Gene: SUFU (SUFU negative regulator of hedgehog signaling; plus strand). Cytogenetic location: 10q24.32.
Variant type: single nucleotide variant.
Coding change: c.683T>C on transcript NM_016169.4 (MANE Select); coding-DNA position 683, T replaced by C.
Protein change: p.Ile228Thr; replaces isoleucine 228 with threonine.
Molecular consequence: missense variant.
Genome position (GRCh38, 1-based): chr10:102,593,721, T>C. VCF-style: chr10-102593721-T-C. GRCh37 (hg19) VCF-style: chr10-104353478-T-C.
Other names: c.683T>C, p.Ile228Thr (NM_001178133.2); short protein forms I228T.
Identifiers: ClinVar variation 3963856 (VCV003963856.1).